The following is an entry in ClinVar:

ClinVar aggregate classification (germline): Uncertain significance (1 of 4 stars; one submission).

Conditions:
Short-rib thoracic dysplasia 14 with polydactyly (SRTD14). Identifiers: Orphanet 397715, MedGen C4225286, MONDO:0014688, OMIM 616546.
Joubert syndrome 23 (JBTS23). Identifiers: Orphanet 475, MedGen C4084822, MONDO:0014664, OMIM 616490.

Allele frequency attached by ClinVar (database versions not stated): gnomAD 0.00001; gnomAD exomes 0.00001.
gnomAD v4.1: 4 of 1,608,526 alleles (0.00025%); highest among the groups gnomAD compares: Non-Finnish European, 0.00034%; no homozygotes.

Submission:

Labcorp Genetics (formerly Invitae), Labcorp
Classification: Uncertain significance for Joubert syndrome 23; Short-rib thoracic dysplasia 14 with polydactyly. Last evaluated: 2022-07-25. Review status: criteria provided, single submitter. Criteria: Invitae Variant Classification Sherloc (09022015). Collection method: clinical testing. Allele origin: germline.
Comment: In summary, the available evidence is currently insufficient to determine the role of this variant in disease. Therefore, it has been classified as a Variant of Uncertain Significance. Algorithms developed to predict the effect of missense changes on protein structure and function output the following: SIFT: "Tolerated"; PolyPhen-2: "Benign"; Align-GVGD: "Class C0". The lysine amino acid residue is found in multiple mammalian species, which suggests that this missense change does not adversely affect protein function. ClinVar contains an entry for this variant (Variation ID: 1468085). This variant has not been reported in the literature in individuals affected with KIAA0586-related conditions. This sequence change replaces glutamic acid, which is acidic and polar, with lysine, which is basic and polar, at codon 693 of the KIAA0586 protein (p.Glu693Lys). This variant is not present in population databases (gnomAD no frequency).

NM_001329943.3(KIAA0586):c.1918G>A (p.Glu640Lys)

Gene: KIAA0586 (KIAA0586; plus strand). Cytogenetic location: 14q23.1.
Variant type: single nucleotide variant.
Coding change: c.1918G>A on transcript NM_001329943.3 (MANE Select); coding-DNA position 1918, G replaced by A.
Protein change: p.Glu640Lys; replaces glutamic acid 640 with lysine.
Molecular consequence: missense variant.
Genome position (GRCh38, 1-based): chr14:58,461,019, G>A. VCF-style: chr14-58461019-G-A. GRCh37 (hg19) VCF-style: chr14-58927737-G-A.
Other names: c.2077G>A, p.Glu693Lys (NM_001244189.2); c.1873G>A, p.Glu625Lys (NM_001244190.2); c.1663G>A, p.Glu555Lys (NM_001244191.2, NM_001329945.2, NM_001364700.1 and 1 more transcripts); c.1786G>A, p.Glu596Lys (NM_001244192.2); c.1498G>A, p.Glu500Lys (NM_001244193.2); c.1918G>A, p.Glu640Lys (NM_001329944.2, NM_001329946.2, NM_001329947.2); c.1690G>A, p.Glu564Lys (NM_014749.5); short protein forms E500K, E555K, E596K, E625K, E693K, E640K, E564K.
Identifiers: ClinVar variation 1468085 (VCV001468085.8), dbSNP rs1595193868, ClinGen allele CA389872295.